The following is an entry in ClinVar:

ClinVar aggregate classification (germline): Benign/Likely benign. Review status: criteria provided, multiple submitters, no conflicts (2 of 4 stars). 8 submissions from 5 submitters: Benign (5); Likely benign (3). Last evaluated 2025-04-13.

Conditions:
Cardiovascular phenotype. Identifiers: MedGen CN230736.
Dilated cardiomyopathy 1G (CMD1G). Identifiers: Orphanet 154, MedGen C1858763, MONDO:0011400, OMIM 604145.
Autosomal recessive limb-girdle muscular dystrophy type 2J (LGMDR10). Also called: MUSCULAR DYSTROPHY, LIMB-GIRDLE, AUTOSOMAL RECESSIVE 10; Limb-girdle muscular dystrophy, type 2J. Identifiers: Orphanet 140922, MedGen C1837342, MONDO:0012127, OMIM 608807.
Myopathy, myofibrillar, 9, with early respiratory failure (MFM9). Also called: Hereditary myopathy with early respiratory failure; EDSTROM MYOPATHY; Myopathy, distal, with early respiratory failure, autosomal dominant; MYOPATHY, PROXIMAL, WITH EARLY RESPIRATORY MUSCLE INVOLVEMENT. Identifiers: Orphanet 178464, Orphanet 34521, MedGen C1863599, MONDO:0011362, OMIM 603689.
Tibial muscular dystrophy (TMD). Also called: Udd Distal Myopathy – Tibial Muscular Dystrophy; Tibial muscular dystrophy, tardive; UDD MYOPATHY. Identifiers: Orphanet 609, MedGen C1838244, MONDO:0010870, OMIM 600334.
Early-onset myopathy with fatal cardiomyopathy (CMYO5). Also called: CONGENITAL MYOPATHY 5 WITH CARDIOMYOPATHY; Salih Myopathy. Identifiers: Orphanet 289377, MedGen C2673677, MONDO:0012714, OMIM 611705. Disease mechanism: loss of function.

Allele frequency attached by ClinVar (database versions not stated): TOPMed 0.00002; gnomAD exomes 0.00003; ExAC 0.00004.
gnomAD v4.1: 38 of 1,612,982 alleles (0.0024%); highest among the groups gnomAD compares: Admixed American, 0.0033%; no homozygotes.

Submissions (8):

Labcorp Genetics (formerly Invitae), Labcorp
Classification: Likely benign for Dilated cardiomyopathy 1G; Autosomal recessive limb-girdle muscular dystrophy type 2J. Last evaluated: 2025-04-13. Review status: criteria provided, single submitter. Criteria: Invitae Variant Classification Sherloc (09022015). Collection method: clinical testing. Allele origin: germline.

Blueprint Genetics
Classification: Likely benign. Last evaluated: 2024-10-28. Review status: criteria provided, single submitter. Criteria: ACMG Guidelines, 2015. Collection method: clinical testing. Allele origin: germline.

Genome-Nilou Lab
Classification: Benign for Autosomal recessive limb-girdle muscular dystrophy type 2J. Last evaluated: 2021-09-10. Review status: criteria provided, single submitter. Criteria: ACMG Guidelines, 2015. Collection method: clinical testing. Allele origin: germline. Affected: no.

Genome-Nilou Lab
Classification: Benign for Myopathy, myofibrillar, 9, with early respiratory failure. Last evaluated: 2021-09-10. Review status: criteria provided, single submitter. Criteria: ACMG Guidelines, 2015. Collection method: clinical testing. Allele origin: germline. Affected: no.

Genome-Nilou Lab
Classification: Benign for Early-onset myopathy with fatal cardiomyopathy. Last evaluated: 2021-09-10. Review status: criteria provided, single submitter. Criteria: ACMG Guidelines, 2015. Collection method: clinical testing. Allele origin: germline. Affected: no.

Genome-Nilou Lab
Classification: Benign for Tibial muscular dystrophy. Last evaluated: 2021-09-10. Review status: criteria provided, single submitter. Criteria: ACMG Guidelines, 2015. Collection method: clinical testing. Allele origin: germline. Affected: no.

Ambry Genetics
Classification: Likely benign for Cardiovascular phenotype. Last evaluated: 2018-09-13. Review status: criteria provided, single submitter. Criteria: Ambry Variant Classification Scheme 2023. Collection method: clinical testing. Allele origin: germline.

GeneDx
Classification: Benign. Last evaluated: 2014-10-31. Review status: criteria provided, single submitter. Criteria: GeneDx Variant Classification (06012015). Collection method: clinical testing. Allele origin: germline. Affected: yes.
Comment: This variant is considered likely benign or benign based on one or more of the following criteria: it is a conservative change, it occurs at a poorly conserved position in the protein, it is predicted to be benign by multiple in silico algorithms, and/or has population frequency not consistent with disease.

NM_001267550.2(TTN):c.52962G>A (p.Pro17654=)

Genes: TTN (titin; minus strand), TTN-AS1 (TTN antisense RNA 1; plus strand), LOC126806425 (BRD4-independent group 4 enhancer GRCh37_chr2:179471933-179473132; plus strand). Cytogenetic location: 2q31.2.
Variant type: single nucleotide variant.
Coding change: c.52962G>A on transcript NM_001267550.2 (MANE Select); coding-DNA position 52962, G replaced by A.
Protein change: p.Pro17654=; no amino-acid change (proline 17654 retained).
Molecular consequence: synonymous variant.
Genome position (GRCh38, 1-based): chr2:178,607,825, C>T on the plus strand (G>A on the coding strand, the complement: TTN is on the minus strand). VCF-style: chr2-178607825-C-T. GRCh37 (hg19) VCF-style: chr2-179472552-C-T.
Other names: p.P16013P:CCG>CCA; c.48039G>A, p.Pro16013= (NM_001256850.1); c.25767G>A, p.Pro8589= (NM_003319.4); c.45258G>A, p.Pro15086= (NM_133378.4); c.26142G>A, p.Pro8714= (NM_133432.3); c.26343G>A, p.Pro8781= (NM_133437.4).
Identifiers: ClinVar variation 202272 (VCV000202272.14), dbSNP rs773148195, ClinGen allele CA308948.